The following is an entry in ClinVar:

NM_004629.2(FANCG):c.546_547del (p.Lys182fs)

Gene: FANCG (FA complementation group G; minus strand). Cytogenetic location: 9p13.3.
Variant type: Deletion.
Coding change: c.546_547del on transcript NM_004629.2 (MANE Select); coding-DNA positions 546 to 547, 2 bases deleted (AA; older notation c.546_547delAA).
Protein change: p.Lys182fs; shifts the reading frame from lysine 182.
Molecular consequence: frameshift variant.
Genome position (GRCh38, 1-based): chr9:35,077,363-35,077,364, TT deleted on the plus strand (AA on the coding strand, the reverse complement: FANCG is on the minus strand); deleting any 2 consecutive bases within chr9:35,077,363-35,077,366 gives the same sequence; the c. name uses the placement nearest the transcript's 3' end. VCF-style (leftmost placement, unchanged base first): chr9-35077362-GTT-G. GRCh37 (hg19) VCF-style: chr9-35077359-GTT-G.
Other names: c.546_547delAA (NM_004629.1); short protein forms K182fs.
Identifiers: ClinVar variation 4815375 (VCV004815375.1).
Genomic context (GRCh38, chr9:35,077,362, plus strand): 5'-AATCCCTGGGCATCCTGCAGGGTCAATGGAGCATCTAATTCCTCAGCTGGGGGACTCCAA[GTT>G]TTCAGAAGTAACAGCAGATCCTTAGAGGCTCCACTCTGGGGAAAGAAGGACAACCAGAAG-3'

ClinVar aggregate classification (germline): Likely pathogenic (1 of 4 stars; one submission).

Conditions:
Fanconi anemia complementation group G. Also called: FANCG-Related Fanconi Anemia; Fanconi anemia group G. Identifiers: Orphanet 84, MedGen C3469527, MONDO:0013565, OMIM 614082.

Submission:

Natera, Inc.
Classification: Likely pathogenic for Fanconi anemia group G. Last evaluated: 2024-09-18. Review status: criteria provided, single submitter. Criteria: Natera Variant Classification Schema (03/2026). Collection method: clinical testing. Allele origin: germline.
Comment: The c.546_547delAA variant in FANCG is a frameshift variant predicted to shift the reading frame beginning at codon 182 and leads to a stop codon 7 codons downstream. This variant is expected to result in nonsense mediated decay, truncation, or a dysfunctional protein product. This variant is rare in the general population with a frequency below the threshold expected for the associated phenotype(s). Given the available evidence, this variant is classified as Likely Pathogenic.